The following is an entry in ClinVar:

NM_002878.4(RAD51D):c.202G>A (p.Gly68Ser)

Genes: RAD51L3-RFFL (RAD51L3-RFFL readthrough; minus strand), RAD51D (RAD51 paralog D; minus strand). Cytogenetic location: 17q12.
Variant type: single nucleotide variant.
Coding change: c.202G>A on transcript NM_002878.4 (MANE Select); coding-DNA position 202, G replaced by A.
Protein change: p.Gly68Ser; replaces glycine 68 with serine.
Molecular consequence: missense variant. On other transcripts: intron variant (2).
Genome position (GRCh38, 1-based): chr17:35,118,562, C>T on the plus strand (G>A on the coding strand, the complement: RAD51D is on the minus strand). VCF-style: chr17-35118562-C-T. GRCh37 (hg19) VCF-style: chr17-33445581-C-T.
Other names: c.144+549G>A (NM_133629.3, NM_001142571.2); short protein forms G68S.
Identifiers: ClinVar variation 410548 (VCV000410548.44), dbSNP rs775045445, ClinGen allele CA8499627.

ClinVar aggregate classification (germline): Uncertain significance. Review status: criteria provided, multiple submitters, no conflicts (2 of 4 stars). 14 submissions from 14 submitters: Uncertain significance (9). 5 of the submissions do not count toward it. Last evaluated 2025-12-31.

Conditions:
Hereditary breast ovarian cancer syndrome. Also called: Hereditary breast and ovarian cancer; Hereditary breast and/or ovarian cancer syndrome; BRCA1- and BRCA2-Associated Hereditary Breast and Ovarian Cancer; Hereditary breast and ovarian cancer syndrome; Hereditary breast and ovarian cancer syndrome (HBOC); Breast and ovarian cancer. Identifiers: Orphanet 145, MedGen C0677776, MeSH D061325, MONDO:0003582. Disease mechanism: loss of function.
Breast-ovarian cancer, familial, susceptibility to, 4. Identifiers: Orphanet 145, MedGen C3280345, MONDO:0013669, OMIM 614291.
Hereditary cancer-predisposing syndrome. Also called: Tumor predisposition; Hereditary Cancer Syndrome; Hereditary neoplastic syndrome; Neoplastic Syndromes, Hereditary. Identifiers: Orphanet 140162, MedGen C0027672, MeSH D009386, MONDO:0015356.

Allele frequency attached by ClinVar (database versions not stated): TOPMed 0.00001; gnomAD exomes 0.00002 and 0.00004; gnomAD 0.00003; ExAC 0.00006.
gnomAD v4.1: 35 of 1,614,082 alleles (0.0022%); highest among the groups gnomAD compares: Non-Finnish European, 0.003%; no homozygotes.

Submissions (14):

Labcorp Genetics (formerly Invitae), Labcorp
Classification: Uncertain significance for Breast-ovarian cancer, familial, susceptibility to, 4. Last evaluated: 2025-12-31. Review status: criteria provided, single submitter. Criteria: Invitae Variant Classification Sherloc (09022015). Collection method: clinical testing. Allele origin: germline.
Comment: This sequence change replaces glycine, which is neutral and non-polar, with serine, which is neutral and polar, at codon 68 of the RAD51D protein (p.Gly68Ser). This variant is present in population databases (rs775045445, gnomAD 0.007%). This missense change has been observed in individual(s) with breast, ovarian and colon cancer (PMID: 26261251, 29522266, 29625052, 37316882). ClinVar contains an entry for this variant (Variation ID: 410548). Invitae Evidence Modeling of protein sequence and biophysical properties (such as structural, functional, and spatial information, amino acid conservation, physicochemical variation, residue mobility, and thermodynamic stability) indicates that this missense variant is not expected to disrupt RAD51D protein function with a negative predictive value of 80%. Studies have shown this missense change is associated with skipping of exon 3, but one or more of the resulting mRNA isoform(s) may be naturally occurring (PMID: 34200360; internal data). In summary, the available evidence is currently insufficient to determine the role of this variant in disease. Therefore, it has been classified as a Variant of Uncertain Significance.

Center for Genomic Medicine, Rigshospitalet, Copenhagen University Hospital
Classification: Uncertain significance. Last evaluated: 2025-12-29. Review status: criteria provided, single submitter. Criteria: ACMG Guidelines, 2015. Collection method: clinical testing. Allele origin: germline.

Ambry Genetics
Classification: Uncertain significance for Hereditary cancer-predisposing syndrome. Last evaluated: 2025-08-18. Review status: criteria provided, single submitter. Criteria: Ambry Variant Classification Scheme 2023. Collection method: clinical testing. Allele origin: germline.
Comment: The c.202G>A variant (also known as p.G68S), located in coding exon 3 of the RAD51D gene, results from a G to A substitution at nucleotide position 202. The glycine at codon 68 is replaced by serine, an amino acid with similar properties. This alteration has been reported in individuals diagnosed with breast and/or ovarian cancer (Song H et al. J Clin Oncol, 2015 Sep;33:2901-7; Hauke J et al. Cancer Med, 2018 04;7:1349-1358), and in controls across studies (Loveday C et al. Nat Genet, 2011 Aug;43:879-882; Pritchard AL et al. PLoS One, 2018 Apr;13:e0194098). The nucleotide position is highly conserved in available vertebrate species. In silico splice site analysis predicts that this alteration may result in the creation or strengthening of a novel splice acceptor site; however, direct evidence is insufficient at this time (Ambry internal data). Based on the available evidence, the clinical significance of this variant remains unclear.

Baylor Genetics
Classification: Uncertain significance for Breast-ovarian cancer, familial, susceptibility to, 4. Last evaluated: 2024-03-11. Review status: criteria provided, single submitter. Criteria: ACMG Guidelines, 2015. Collection method: clinical testing. Allele origin: unknown.

German Consortium for Hereditary Breast and Ovarian Cancer, University Hospital Cologne
Classification: Uncertain significance for Hereditary breast ovarian cancer syndrome. Last evaluated: 2024-01-05. Review status: criteria provided, single submitter. Criteria: ACMG Guidelines, 2015. Collection method: curation. Allele origin: germline.
Comment: PS3_sup, PM1. According to the ACMG standard criteria we chose these criteria: PS3 (supporting pathogenic): Bueno-Martínez (2021): complete aberrant splicing pattern without the full length transcript, PM1 (medium pathogenic): N-terminal domain

Quest Diagnostics Nichols Institute San Juan Capistrano
Classification: Uncertain significance. Last evaluated: 2023-12-15. Review status: criteria provided, single submitter. Criteria: Quest Diagnostics criteria. Collection method: clinical testing. Allele origin: unknown.
Comment: The RAD51D c.202G>A (p.Gly68Ser) variant has been reported in the published literature in individuals with breast cancer (PMID: 29522266 (2018)) and ovarian cancer (PMID: 26261251 (2015)). This variant has also been identified in reportedly healthy individuals (PMID: 29641532 (2018), 21822267 (2011)). In addition, this variant has been shown to result in RAD51D aberrant splicing (PMID: 34200360 (2021)), however the effect of this finding on protein function is unknown. The frequency of this variant in the general population, 0.000079 (9/113746 chromosomes (Genome Aggregation Database)), is uninformative in the assessment of its pathogenicity. Analysis of this variant using bioinformatics tools for the prediction of the effect of amino acid changes on protein structure and function yielded predictions that this variant is damaging. Based on the available information, we are unable to determine the clinical significance of this variant.

GeneDx
Classification: Uncertain significance. Last evaluated: 2023-04-26. Review status: criteria provided, single submitter. Criteria: GeneDx Variant Classification Process June 2021. Collection method: clinical testing. Allele origin: germline. Affected: yes.
Comment: Identified in patients with breast or ovarian cancer, and also in unaffected controls (Loveday et al., 2011; Song et al., 2015; Hauke et al., 2018; Pritchard et al., 2018); Minigene assay demonstrates aberrant splicing resulting in multiple transcripts through the use of a cryptic splice site, but the clinical significance is unclear (Bueno-Martinez et al., 2021); In silico analysis supports that this missense variant has a deleterious effect on protein structure/function; Not observed at significant frequency in large population cohorts (gnomAD); This variant is associated with the following publications: (PMID: 29625052, 21822267, 14704354, 19327148, 29641532, 26261251, 29522266, 34200360)

Sema4
Classification: Uncertain significance for Hereditary cancer-predisposing syndrome. Last evaluated: 2021-08-13. Review status: criteria provided, single submitter. Criteria: Sema4 Curation Guidelines. Collection method: curation. Allele origin: germline.
Comment: The RAD51D c.202G>A (p.G68S) variant has been reported in heterozygosity in at least one individual with ovarian cancer (PMID: 26261251). It was observed in 9/113746 chromosomes of the Non-Finnish European subpopulation in the large and broad cohorts of the Genome Aggregation Database (PMID: 32461654). The variant has been reported in ClinVar (Variation ID 410548). Functional studies have not been performed, and in silico predictions of the variant's effect on protein function are inconclusive. The evidence is insufficient to meet ACMG/AMP criteria for classifying the variant as benign or pathogenic. Thus, the clinical significance of this variant is currently uncertain.

Color Diagnostics, LLC DBA Color Health
Classification: Uncertain significance for Hereditary cancer-predisposing syndrome. Last evaluated: 2020-03-09. Review status: criteria provided, single submitter. Criteria: ACMG Guidelines, 2015. Collection method: clinical testing. Allele origin: germline.
Comment: This missense variant replaces glycine with serine at codon 68 of the RAD51D protein. Computational prediction suggests that this variant may not impact protein structure and function (internally defined REVEL score threshold <= 0.5, PMID: 27666373). Splice site prediction tools suggest that this variant may not impact RNA splicing. To our knowledge, functional studies have not been reported for this variant. This variant has been reported in an individuals affected with ovarian cancer in the literature (PMID: 26261251), but also in control individuals (PMID: 21822267). This variant has been identified in 9/251454 chromosomes in the general population by the Genome Aggregation Database (gnomAD). The available evidence is insufficient to determine the role of this variant in disease conclusively. Therefore, this variant is classified as a Variant of Uncertain Significance.

Clinical Genetics DNA and cytogenetics Diagnostics Lab, Erasmus MC, Erasmus Medical Center
Classification: Uncertain significance. Review status: no assertion criteria provided. Collection method: clinical testing. Allele origin: germline. Affected: yes. Study: VKGL Data-share Consensus. Not counted in ClinVar's aggregate classification.

Diagnostic Laboratory, Department of Genetics, University Medical Center Groningen
Classification: Uncertain significance. Review status: no assertion criteria provided. Collection method: clinical testing. Allele origin: germline. Affected: yes. Study: VKGL Data-share Consensus. Not counted in ClinVar's aggregate classification.

Genome Diagnostics Laboratory, Amsterdam University Medical Center
Classification: Uncertain significance. Review status: no assertion criteria provided. Collection method: clinical testing. Allele origin: germline. Affected: yes. Study: VKGL Data-share Consensus. Not counted in ClinVar's aggregate classification.

Joint Genome Diagnostic Labs from Nijmegen and Maastricht, Radboudumc and MUMC+
Classification: Uncertain significance. Review status: no assertion criteria provided. Collection method: clinical testing. Allele origin: germline. Affected: yes. Study: VKGL Data-share Consensus. Not counted in ClinVar's aggregate classification.

Laboratory of Diagnostic Genome Analysis, Leiden University Medical Center (LUMC)
Classification: Uncertain significance. Review status: no assertion criteria provided. Collection method: clinical testing. Allele origin: germline. Affected: yes. Study: VKGL Data-share Consensus. Not counted in ClinVar's aggregate classification.

Literature cited by the submitters: PubMed 26261251 (cited by 5 submitters); PubMed 29522266 (cited by 3 submitters); PubMed 29625052 (cited by Labcorp Genetics (formerly Invitae), Labcorp and Ambry Genetics); PubMed 37316882 (cited by Labcorp Genetics (formerly Invitae), Labcorp); PubMed 34200360 (cited by 3 submitters); PubMed 21822267 (cited by 3 submitters); PubMed 29641532 (cited by Ambry Genetics and Quest Diagnostics Nichols Institute San Juan Capistrano).